The following is an entry in ClinVar:

ClinVar aggregate classification (germline): Uncertain significance (1 of 4 stars; one submission).

Conditions:
Nemaline myopathy 2 (NEM2). Also called: Nemaline myopathy 2, autosomal recessive. Identifiers: MedGen C1850569, MONDO:0009725, OMIM 256030.

Submission:

Labcorp Genetics (formerly Invitae), Labcorp
Classification: Uncertain significance for Nemaline myopathy 2. Last evaluated: 2022-02-27. Review status: criteria provided, single submitter. Criteria: Invitae Variant Classification Sherloc (09022015). Collection method: clinical testing. Allele origin: germline.
Comment: This sequence change replaces alanine, which is neutral and non-polar, with glutamic acid, which is acidic and polar, at codon 5664 of the NEB protein (p.Ala5664Glu). This variant is not present in population databases (gnomAD no frequency). This variant has not been reported in the literature in individuals affected with NEB-related conditions. Algorithms developed to predict the effect of missense changes on protein structure and function are either unavailable or do not agree on the potential impact of this missense change (SIFT: "Deleterious"; PolyPhen-2: "Not Available"; Align-GVGD: "Class C0"). In summary, the available evidence is currently insufficient to determine the role of this variant in disease. Therefore, it has been classified as a Variant of Uncertain Significance.

NM_001164508.2(NEB):c.16991C>A (p.Ala5664Glu)

Gene: NEB (nebulin; minus strand). Cytogenetic location: 2q23.3.
Variant type: single nucleotide variant.
Coding change: c.16991C>A on transcript NM_001164508.2 (MANE Select); coding-DNA position 16991, C replaced by A.
Protein change: p.Ala5664Glu; replaces alanine 5664 with glutamic acid.
Molecular consequence: missense variant.
Genome position (GRCh38, 1-based): chr2:151,575,717, G>T on the plus strand (C>A on the coding strand, the complement: NEB is on the minus strand). VCF-style: chr2-151575717-G-T. GRCh37 (hg19) VCF-style: chr2-152432231-G-T.
Other names: c.16991C>A, p.Ala5664Glu (NM_001164507.2, NM_001271208.2); c.11888C>A, p.Ala3963Glu (NM_004543.5); short protein forms A3963E, A5664E.
Identifiers: ClinVar variation 1923283 (VCV001923283.2), dbSNP rs1434075305, ClinGen allele CA348809380.